The following is an entry in ClinVar:

ClinVar aggregate classification (germline): Pathogenic/Likely pathogenic. Review status: criteria provided, multiple submitters, no conflicts (2 of 4 stars). 11 submissions from 11 submitters: Pathogenic (6); Likely pathogenic (2). 3 of the submissions do not count toward it. Last evaluated 2025-08-29.

Conditions:
Joubert syndrome and related disorders. Identifiers: Orphanet 140874, MedGen C5679612, MONDO:0015369.
CPLANE1-related disorder. Also called: CPLANE1-related condition.
Joubert syndrome 17 (JBTS17). Identifiers: Orphanet 475, MedGen C3553264, MONDO:0013824, OMIM 614615.
Orofaciodigital syndrome type 6 (OFD6). Also called: OROFACIODIGITAL SYNDROME VI; OFDS VI; POLYDACTYLY, CLEFT LIP/PALATE OR LINGUAL LUMP, AND PSYCHOMOTOR RETARDATION; VARADI SYNDROME; VARADI-PAPP SYNDROME; Oral-facial-digital syndrome type 6. Identifiers: Orphanet 2754, MedGen C2745997, MONDO:0010176, OMIM 277170.
Joubert syndrome 1 (JBTS1). Also called: CEREBELLOPARENCHYMAL DISORDER IV; Cerebellooculorenal syndrome 1. Identifiers: MedGen C4551568, MONDO:0008944, OMIM 213300.

Allele frequency attached by ClinVar (database versions not stated): ExAC 0.00001; gnomAD 0.00002 and 0.00003; gnomAD exomes 0.00002; TOPMed 0.00003; ESP Exome Variant Server 0.00015.
gnomAD v4.1: 31 of 1,613,324 alleles (0.0019%); highest among the groups gnomAD compares: East Asian, 0.0022%; no homozygotes.

Submissions (11):

Labcorp Genetics (formerly Invitae), Labcorp
Classification: Pathogenic. Last evaluated: 2025-08-29. Review status: criteria provided, single submitter. Criteria: Invitae Variant Classification Sherloc (09022015). Collection method: clinical testing. Allele origin: germline.
Comment: This sequence change replaces arginine, which is basic and polar, with tryptophan, which is neutral and slightly polar, at codon 1336 of the CPLANE1 protein (p.Arg1336Trp). This variant is present in population databases (rs367543061, gnomAD 0.004%). This missense change has been observed in individual(s) with Joubert syndrome (PMID: 22425360). In at least one individual the data is consistent with being in trans (on the opposite chromosome) from a pathogenic variant. It has also been observed to segregate with disease in related individuals. ClinVar contains an entry for this variant (Variation ID: 31219). Invitae Evidence Modeling of protein sequence and biophysical properties (such as structural, functional, and spatial information, amino acid conservation, physicochemical variation, residue mobility, and thermodynamic stability) indicates that this missense variant is not expected to disrupt CPLANE1 protein function with a negative predictive value of 95%. For these reasons, this variant has been classified as Pathogenic.

PreventionGenetics, part of Exact Sciences
Classification: Pathogenic for CPLANE1-related condition. Last evaluated: 2025-06-16. Review status: criteria provided, single submitter. Criteria: ACMG Guidelines, 2015. Collection method: clinical testing. Allele origin: germline.
Comment: The CPLANE1 c.4006C>T variant is predicted to result in the amino acid substitution p.Arg1336Trp. This variant has been reported in the compound heterozygous state in multiple individuals with Joubert syndrome and shown to segregate with disease in related family members (Srour et al. 2012. PubMed ID: 22425360; Table S5, Bachmann-Gagescu et al. 2015. PubMed ID: 26092869). Cultured fibroblasts from one of these patients showed a complete absence of cilia formation compared to cultured cells from a healthy control individual (Figure 5, Damerla et al. 2015. PubMed ID: 25877302). This variant is reported in 0.0047% of alleles in individuals of European (Non-Finnish) descent in gnomAD and has been described as a possible founder variant in French Canadian populations (Srour et al. 2012. PubMed ID: 22425360). This variant is interpreted as pathogenic.

GeneDx
Classification: Likely pathogenic. Last evaluated: 2025-03-23. Review status: criteria provided, single submitter. Criteria: GeneDx Variant Classification Process June 2021. Collection method: clinical testing. Allele origin: germline. Affected: yes.
Comment: Not observed at significant frequency in large population cohorts (gnomAD); In silico analysis supports that this missense variant has a deleterious effect on protein structure/function; This variant is associated with the following publications: (PMID: 31981491, 20301500, 26092869, 22425360, 26477546, 10488899, 25877302, 36789003, 31771860, 39125556)

Fulgent Genetics
Classification: Pathogenic for Orofaciodigital syndrome type 6; Joubert syndrome 17. Last evaluated: 2024-04-01. Review status: criteria provided, single submitter. Criteria: ACMG Guidelines, 2015. Collection method: clinical testing. Allele origin: germline.

Women's Health and Genetics/Laboratory Corporation of America, LabCorp
Classification: Pathogenic for Joubert syndrome and related disorders. Last evaluated: 2022-06-01. Review status: criteria provided, single submitter. Criteria: LabCorp Variant Classification Summary - May 2015. Collection method: clinical testing. Allele origin: germline.
Comment: Variant summary: CPLANE1 c.4006C>T (p.Arg1336Trp) results in a non-conservative amino acid change in the encoded protein sequence. Four of five in-silico tools predict a damaging effect of the variant on protein function. The variant allele was found at a frequency of 2.1e-05 in 280178 control chromosomes. c.4006C>T has been reported in the literature as a compound heterozygous genotype in multiple individuals affected with Joubert Syndrome (example, Srour_2012, Bachmann-Gagescu_2015). These data indicate that the variant is very likely to be associated with disease. To our knowledge, no experimental evidence demonstrating an impact on protein function has been reported. Two clinical diagnostic laboratories, a research program and the Gene Reviews database have submitted clinical-significance assessments for this variant to ClinVar after 2014 without evidence for independent evaluation. All submitters classified the variant as pathogenic/likely pathogenic. Based on the evidence outlined above, the variant was classified as pathogenic.

CeGaT Center for Human Genetics Tuebingen
Classification: Pathogenic. Last evaluated: 2021-02-01. Review status: criteria provided, single submitter. Criteria: CeGaT Center For Human Genetics Tuebingen Variant Classification Criteria Version 2. Collection method: clinical testing. Allele origin: germline. Affected: yes. Observed: 3 variant alleles.

UW Hindbrain Malformation Research Program, University of Washington
Classification: Pathogenic for Joubert syndrome 17. Last evaluated: 2015-02-23. Review status: criteria provided, single submitter. Criteria: Bachmann-Gagescu et al. (J Med Genet. 2015). Collection method: research. Allele origin: unknown. Affected: yes.

Institute of Human Genetics, University Hospital of Duesseldorf
Classification: Likely pathogenic for Joubert syndrome 1. Review status: criteria provided, single submitter. Criteria: ACMG Guidelines, 2015. Collection method: not provided. Allele origin: germline. Inheritance: Autosomal recessive inheritance. Affected: yes.

OMIM
Classification: Pathogenic for JOUBERT SYNDROME 17. Last evaluated: 2012-04-06. Review status: no assertion criteria provided. Collection method: literature only. Allele origin: germline. Not counted in ClinVar's aggregate classification.

Department of Rehabilitation Medicine, Incheon St. Mary’s Hospital, College of Medicine, The Catholic University of Korea
Classification: Likely pathogenic for Joubert syndrome 17. Review status: no assertion criteria provided. Collection method: clinical testing. Allele origin: paternal. Affected: yes. Not counted in ClinVar's aggregate classification.

GeneReviews
No classification provided. Condition: Joubert syndrome 17. Review status: no classification provided. Collection method: literature only. Allele origin: germline. Not counted in ClinVar's aggregate classification.

Literature cited by the submitters: PubMed 22425360 (cited by 3 submitters); PubMed 26092869 (cited by Women's Health and Genetics/Laboratory Corporation of America, LabCorp); PubMed 25877302 (cited by Women's Health and Genetics/Laboratory Corporation of America, LabCorp and OMIM); PubMed 10488899 (cited by OMIM); NCBI Bookshelf NBK1325 (cited by GeneReviews); PubMed 20301500 (cited by GeneReviews).

NM_001384732.1(CPLANE1):c.4006C>T (p.Arg1336Trp)

Gene: CPLANE1 (ciliogenesis and planar polarity effector complex subunit 1; minus strand). Cytogenetic location: 5p13.2.
Variant type: single nucleotide variant.
Coding change: c.4006C>T on transcript NM_001384732.1 (MANE Select); coding-DNA position 4006, C replaced by T.
Protein change: p.Arg1336Trp; replaces arginine 1336 with tryptophan.
Molecular consequence: missense variant.
Genome position (GRCh38, 1-based): chr5:37,187,488, G>A on the plus strand (C>T on the coding strand, the complement: CPLANE1 is on the minus strand). VCF-style: chr5-37187488-G-A. GRCh37 (hg19) VCF-style: chr5-37187590-G-A.
Other names: c.4006C>T, p.Arg1336Trp (NM_023073.4); short protein forms R1336W.
Identifiers: ClinVar variation 31219 (VCV000031219.51), dbSNP rs367543061, ClinGen allele CA342791.